The following is an entry in ClinVar:

NM_001366385.1(CARD14):c.1937T>C (p.Val646Ala)

Genes: CARD14 (caspase recruitment domain family member 14; plus strand), SGSH (N-sulfoglucosamine sulfohydrolase; minus strand). Cytogenetic location: 17q25.3.
Variant type: single nucleotide variant.
Coding change: c.1937T>C on transcript NM_001366385.1 (MANE Select); coding-DNA position 1937, T replaced by C.
Protein change: p.Val646Ala; replaces valine 646 with alanine.
Molecular consequence: missense variant. On other transcripts: non-coding transcript variant (1).
Genome position (GRCh38, 1-based): chr17:80,201,829, T>C. VCF-style: chr17-80201829-T-C. GRCh37 (hg19) VCF-style: chr17-78175628-T-C.
Other names: c.1937T>C, p.Val646Ala (NM_001257970.1, NM_024110.4); short protein forms V646A.
Identifiers: ClinVar variation 2925211 (VCV002925211.3), dbSNP rs1598693429, ClinGen allele CA401352626.
Genomic context (GRCh38, chr17:80,201,829, plus strand): 5'-TGTTCAAGGCAGTCCTGGAGGACACGACCCTGGAGGAGGCCGTGGGGCTTCTCAGGAGGG[T>C]GGACGGCTTCTGCTGCCTGTCTGTGAAGGTCAACACGGACGGTACACATACCACTCCTCT-3'
Protein context (NP_001353314.1, residues 636-656): LEEAVGLLRR[Val646Ala]DGFCCLSVKV

ClinVar aggregate classification (germline): Uncertain significance (1 of 4 stars; one submission).

Conditions:
Psoriasis 2. Identifiers: MedGen C1864497, MONDO:0011269, OMIM 602723.
Pityriasis rubra pilaris (PRP). Also called: Pityriasis rubra pilaris--familial type. Identifiers: Orphanet 2897, MedGen C0032027, MONDO:0100017, OMIM 173200, MONDO:0008251.

Allele frequency attached by ClinVar (database versions not stated): gnomAD exomes below 0.00001.
gnomAD v4.1: 2 of 1,613,790 alleles (0.00012%); highest among the groups gnomAD compares: African/African-American, 0.0013%; no homozygotes.

Submission:

Labcorp Genetics (formerly Invitae), Labcorp
Classification: Uncertain significance for Pityriasis rubra pilaris; Psoriasis 2. Last evaluated: 2023-03-13. Review status: criteria provided, single submitter. Criteria: Invitae Variant Classification Sherloc (09022015). Collection method: clinical testing. Allele origin: germline.
Comment: In summary, the available evidence is currently insufficient to determine the role of this variant in disease. Therefore, it has been classified as a Variant of Uncertain Significance. Advanced modeling of protein sequence and biophysical properties (such as structural, functional, and spatial information, amino acid conservation, physicochemical variation, residue mobility, and thermodynamic stability) performed at Invitae indicates that this missense variant is expected to disrupt CARD14 protein function. This variant has not been reported in the literature in individuals affected with CARD14-related conditions. This variant is not present in population databases (gnomAD no frequency). This sequence change replaces valine, which is neutral and non-polar, with alanine, which is neutral and non-polar, at codon 646 of the CARD14 protein (p.Val646Ala).